The following is an entry in ClinVar:

NM_001018115.3(FANCD2):c.92del (p.Lys31fs)

Genes: FANCD2 (FA complementation group D2; plus strand), LOC107303338 (3p25 FANCD2 Alu-mediated recombination region; plus strand). Cytogenetic location: 3p25.3.
Variant type: Deletion.
Coding change: c.92del on transcript NM_001018115.3 (MANE Select); coding-DNA position 92, one base deleted (A; older notation c.92delA).
Protein change: p.Lys31fs; shifts the reading frame from lysine 31.
Molecular consequence: frameshift variant.
Genome position (GRCh38, 1-based): chr3:10,032,859, A deleted; the last of 5 consecutive A bases (chr3:10,032,855-10,032,859); deleting any one gives the same sequence. VCF-style (leftmost placement, unchanged base first): chr3-10032854-CA-C. GRCh37 (hg19) VCF-style: chr3-10074538-CA-C.
Other names: c.92del, p.Lys31fs (NM_001319984.2, NM_001374253.1, NM_001374254.1 and 2 more transcripts); short protein forms K31fs.
Identifiers: ClinVar variation 1324378 (VCV001324378.5), dbSNP rs1378830983, ClinGen allele CA2573052045.

ClinVar aggregate classification (germline): Pathogenic/Likely pathogenic. Review status: criteria provided, multiple submitters, no conflicts (2 of 4 stars). 2 submissions from 2 submitters: Pathogenic (1); Likely pathogenic (1). Last evaluated 2024-06-10.

Conditions:
Fanconi anemia complementation group D2. Also called: FANCONI PANCYTOPENIA, TYPE 4; FANCONI ANEMIA, COMPLEMENTATION GROUP D; FANCD2-Related Fanconi Anemia. Identifiers: Orphanet 84, MedGen C3160738, MONDO:0009214, OMIM 227646.
Fanconi anemia (FA). Also called: Fanconi's anemia. Identifiers: Orphanet 84, MedGen C0015625, MeSH D005199, MONDO:0019391.

Submissions (2):

Labcorp Genetics (formerly Invitae), Labcorp
Classification: Pathogenic for Fanconi anemia. Last evaluated: 2024-06-10. Review status: criteria provided, single submitter. Criteria: Invitae Variant Classification Sherloc (09022015). Collection method: clinical testing. Allele origin: germline.
Comment: This sequence change creates a premature translational stop signal (p.Lys31Argfs*19) in the FANCD2 gene. It is expected to result in an absent or disrupted protein product. Loss-of-function variants in FANCD2 are known to be pathogenic (PMID: 17436244). This variant is not present in population databases (gnomAD no frequency). This variant has not been reported in the literature in individuals affected with FANCD2-related conditions. ClinVar contains an entry for this variant (Variation ID: 1324378). For these reasons, this variant has been classified as Pathogenic.

Fulgent Genetics
Classification: Likely pathogenic for Fanconi anemia complementation group D2. Last evaluated: 2022-05-04. Review status: criteria provided, single submitter. Criteria: ACMG Guidelines, 2015. Collection method: clinical testing. Allele origin: unknown.

Literature cited by the submitters: PubMed 17436244 (cited by Labcorp Genetics (formerly Invitae), Labcorp).